The following is an entry in ClinVar:

NM_206933.4(USH2A):c.8233A>C (p.Lys2745Gln)

Gene: USH2A (usherin; minus strand). Cytogenetic location: 1q41.
Variant type: single nucleotide variant.
Coding change: c.8233A>C on transcript NM_206933.4 (MANE Select); coding-DNA position 8233, A replaced by C.
Protein change: p.Lys2745Gln; replaces lysine 2745 with glutamine.
Molecular consequence: missense variant.
Genome position (GRCh38, 1-based): chr1:215,879,089, T>G on the plus strand (A>C on the coding strand, the complement: USH2A is on the minus strand). VCF-style: chr1-215879089-T-G. GRCh37 (hg19) VCF-style: chr1-216052431-T-G.
Other names: short protein forms K2745Q.
Identifiers: ClinVar variation 1505120 (VCV001505120.5), dbSNP rs2102452018, ClinGen allele CA344832775.

ClinVar aggregate classification (germline): Uncertain significance (1 of 4 stars; one submission).

Allele frequency attached by ClinVar (database versions not stated): gnomAD exomes 0.00001.
gnomAD v4.1: 10 of 1,613,532 alleles (0.00062%); highest among the groups gnomAD compares: Non-Finnish European, 0.00085%; no homozygotes.

Submission:

Labcorp Genetics (formerly Invitae), Labcorp
Classification: Uncertain significance. Last evaluated: 2021-09-24. Review status: criteria provided, single submitter. Criteria: Invitae Variant Classification Sherloc (09022015). Collection method: clinical testing. Allele origin: germline.
Comment: This sequence change replaces lysine with glutamine at codon 2745 of the USH2A protein (p.Lys2745Gln). The lysine residue is highly conserved and there is a small physicochemical difference between lysine and glutamine. This variant is not present in population databases (ExAC no frequency). This variant has not been reported in the literature in individuals with USH2A-related conditions. Algorithms developed to predict the effect of missense changes on protein structure and function are either unavailable or do not agree on the potential impact of this missense change (SIFT: "Deleterious"; PolyPhen-2: "Benign"; Align-GVGD: "Class C0"). In summary, the available evidence is currently insufficient to determine the role of this variant in disease. Therefore, it has been classified as a Variant of Uncertain Significance.